The following is an entry in ClinVar:

ClinVar aggregate classification (germline): Benign/Likely benign. Review status: criteria provided, multiple submitters, no conflicts (2 of 4 stars). 10 submissions from 10 submitters: Benign (4); Likely benign (5). 1 of the submissions does not count toward it. Last evaluated 2026-07-01.

Conditions:
KIF5A-related disorder. Also called: KIF5A-related disorders; KIF5A-related condition.
Spastic paraplegia. Identifiers: MedGen C0037772, HP:0001258.
Hereditary spastic paraplegia. Also called: Familial spastic paraparesis. Identifiers: Orphanet 685, MedGen C0037773, MONDO:0019064. Disease mechanism: loss of function.
Hereditary spastic paraplegia 10 (SPG10). Also called: SPASTIC PARAPLEGIA 10 WITH PERIPHERAL NEUROPATHY; SPASTIC PARAPLEGIA 10 WITH OR WITHOUT PERIPHERAL NEUROPATHY; SPASTIC PARAPLEGIA 10, AUTOSOMAL DOMINANT. Identifiers: Orphanet 100991, MedGen C1858712, MONDO:0011408, OMIM 604187.
Myoclonus, intractable, neonatal (NEIMY). Identifiers: MedGen C4310658, MONDO:0014979, OMIM 617235.

Allele frequency attached by ClinVar (database versions not stated): 1000 Genomes Project 30x 0.00016; 1000 Genomes Project 0.00020; TOPMed 0.00049; gnomAD 0.00075 and 0.00077; ESP Exome Variant Server 0.00077; gnomAD exomes 0.00086 and 0.00119; ExAC 0.00092.

Submissions (10):

CeGaT Center for Human Genetics Tuebingen
Classification: Likely benign. Last evaluated: 2026-07-01. Review status: criteria provided, single submitter. Criteria: CeGaT Center For Human Genetics Tuebingen Variant Classification Criteria Version 2. Collection method: clinical testing. Allele origin: germline. Affected: yes. Observed: 9 variant alleles.
Comment: KIF5A: BP4, BS1

Labcorp Genetics (formerly Invitae), Labcorp
Classification: Benign for Spastic paraplegia. Last evaluated: 2026-02-03. Review status: criteria provided, single submitter. Criteria: Invitae Variant Classification Sherloc (09022015). Collection method: clinical testing. Allele origin: germline.

Mayo Clinic Laboratories, Mayo Clinic
Classification: Likely benign. Last evaluated: 2025-10-08. Review status: criteria provided, single submitter. Criteria: ACMG Guidelines, 2015. Collection method: clinical testing. Allele origin: germline. Observed: 7 variant alleles.
Comment: BS1, BP4, BP5, BP7

Blueprint Genetics
Classification: Likely benign. Last evaluated: 2024-11-07. Review status: criteria provided, single submitter. Criteria: ACMG Guidelines, 2015. Collection method: clinical testing. Allele origin: germline.

ARUP Laboratories, Molecular Genetics and Genomics, ARUP Laboratories
Classification: Benign. Last evaluated: 2024-10-03. Review status: criteria provided, single submitter. Criteria: ARUP Molecular Germline Variant Investigation Process 2024. Collection method: clinical testing. Allele origin: germline.

GeneDx
Classification: Benign. Last evaluated: 2020-02-17. Review status: criteria provided, single submitter. Criteria: GeneDx Variant Classification Process June 2021. Collection method: clinical testing. Allele origin: germline. Affected: yes.

Centre for Mendelian Genomics, University Medical Centre Ljubljana
Classification: Likely benign for Myoclonus, intractable, neonatal. Last evaluated: 2019-03-20. Review status: criteria provided, single submitter. Criteria: ACMG Guidelines, 2015. Collection method: clinical testing. Allele origin: unknown. Affected: yes.
Comment: This variant was classified as: Likely benign. The following ACMG criteria were applied in classifying this variant: BP4,BP6.

Illumina Laboratory Services, Illumina
Classification: Benign for Hereditary spastic paraplegia 10. Last evaluated: 2018-01-12. Review status: criteria provided, single submitter. Criteria: ICSL Variant Classification Criteria 13 December 2019. Collection method: clinical testing. Allele origin: germline.
Comment: This variant was observed in the ICSL laboratory as part of a predisposition screen in an ostensibly healthy population. It had not been previously curated by ICSL or reported in the Human Gene Mutation Database (HGMD: prior to June 1st, 2018), and was therefore a candidate for classification through an automated scoring system. Utilizing variant allele frequency, disease prevalence and penetrance estimates, and inheritance mode, an automated score was calculated to assess if this variant is too frequent to cause the disease. Based on the score and internal cut-off values, a variant classified as benign is not then subjected to further curation. The score for this variant resulted in a classification of benign for this disease.

Genome Diagnostics Laboratory, The Hospital for Sick Children
Classification: Likely benign for Hereditary spastic paraplegia. Last evaluated: 2017-05-12. Review status: criteria provided, single submitter. Criteria: ACMG Guidelines, 2015. Collection method: clinical testing. Allele origin: germline. Affected: yes.

PreventionGenetics, part of Exact Sciences
Classification: Likely benign for KIF5A-related condition. Last evaluated: 2022-09-07. Review status: no assertion criteria provided. Collection method: clinical testing. Allele origin: germline. Not counted in ClinVar's aggregate classification.
Comment: This variant is classified as likely benign based on ACMG/AMP sequence variant interpretation guidelines (Richards et al. 2015 PMID: 25741868, with internal and published modifications).

NM_004984.4(KIF5A):c.2199-4G>A

Gene: KIF5A (kinesin family member 5A; plus strand). Cytogenetic location: 12q13.3.
Variant type: single nucleotide variant.
Coding change: c.2199-4G>A on transcript NM_004984.4 (MANE Select); 4 bases into the intron before coding-DNA position 2199, G replaced by A.
Molecular consequence: intron variant.
Genome position (GRCh38, 1-based): chr12:57,576,757, G>A. VCF-style: chr12-57576757-G-A. GRCh37 (hg19) VCF-style: chr12-57970540-G-A.
Other names: p.?; c.1932-4G>A (NM_001354705.2).
Identifiers: ClinVar variation 219549 (VCV000219549.62), dbSNP rs201366820, ClinGen allele CA350022.
Genomic context (GRCh38, chr12:57,576,757, plus strand): 5'-GCCTTCCCTTCCCCCTCATTAACATCTTTCTCCCCCATCTCCATTACCTTCTGATGCTCT[G>A]TAGCCTAAATCAGAAGCTCCAGTTAGAGCTAGAGAAGCTTCAGGCTGACTACGAGAAGCT-3'